The following is an entry in ClinVar:

ClinVar aggregate classification (germline): Uncertain significance (1 of 4 stars; one submission).

gnomAD v4.1: 33 of 1,611,252 alleles (0.002%); highest among the groups gnomAD compares: Admixed American, 0.0034%; no homozygotes.

Submission:

Women's Health and Genetics/Laboratory Corporation of America, LabCorp
Classification: Uncertain significance. Last evaluated: 2025-12-23. Review status: criteria provided, single submitter. Criteria: LabCorp Variant Classification Summary - May 2015. Collection method: clinical testing. Allele origin: germline.
Comment: Variant summary: ACAN c.6727T>C (p.Tyr2243His) results in a conservative amino acid change in the encoded protein sequence. Algorithms developed to predict the effect of missense changes on protein structure and function all suggest that this variant is likely to be tolerated. The variant allele was found at a frequency of 1.7e-05 in 242412 control chromosomes (gnomAD). The available data on variant occurrences in the general population are insufficient to allow any conclusion about variant significance. To our knowledge, no occurrence of c.6727T>C in individuals affected with ACAN-related conditions and no experimental evidence demonstrating its impact on protein function have been reported. No submitters have cited clinical-significance assessments for this variant to ClinVar. Based on the evidence outlined above, the variant was classified as uncertain significance.

NM_001369268.1(ACAN):c.6727T>C (p.Tyr2243His)

Gene: ACAN (aggrecan; plus strand). Cytogenetic location: 15q26.1.
Variant type: single nucleotide variant.
Coding change: c.6727T>C on transcript NM_001369268.1 (MANE Select); coding-DNA position 6727, T replaced by C.
Protein change: p.Tyr2243His; replaces tyrosine 2243 with histidine.
Molecular consequence: missense variant.
Genome position (GRCh38, 1-based): chr15:88,859,312, T>C. VCF-style: chr15-88859312-T-C. GRCh37 (hg19) VCF-style: chr15-89402543-T-C.
Other names: c.6727T>C, p.Tyr2243His (NM_001135.4, NM_001411096.1, NM_001411097.1 and 1 more transcripts); short protein forms Y2243H.
Identifiers: ClinVar variation 4688890 (VCV004688890.1).
Genomic context (GRCh38, chr15:88,859,312, plus strand): 5'-ACCCAGCAGACCCAGCGCCCTGCAGAGACGCATCTAGAAATTGAGTCCTCAAGCCTCCTG[T>C]ACTCAGGAGAAGAGACTCACACAGTCGAAACAGCCACCTCCCCAACAGATGCTTCCATCC-3'
Protein context (NP_001356197.1, residues 2233-2253): HLEIESSSLL[Tyr2243His]SGEETHTVET